The following is an entry in ClinVar:

NM_033305.3(VPS13A):c.7347G>A (p.Trp2449Ter)

Gene: VPS13A (vacuolar protein sorting 13 homolog A; plus strand). Cytogenetic location: 9q21.2.
Variant type: single nucleotide variant.
Coding change: c.7347G>A on transcript NM_033305.3 (MANE Select); coding-DNA position 7347, G replaced by A.
Protein change: p.Trp2449Ter; replaces tryptophan 2449 with a stop codon.
Molecular consequence: nonsense.
Genome position (GRCh38, 1-based): chr9:77,351,374, G>A. VCF-style: chr9-77351374-G-A. GRCh37 (hg19) VCF-style: chr9-79966290-G-A.
Other names: c.7230G>A, p.Trp2410Ter (NM_001018037.2); c.7347G>A, p.Trp2449Ter (NM_001018038.3, NM_015186.4); short protein forms W2449*, W2410*.
Identifiers: ClinVar variation 2896071 (VCV002896071.3), dbSNP rs2538122605, ClinGen allele CA373854689.

ClinVar aggregate classification (germline): Pathogenic (1 of 4 stars; one submission).

Submission:

Labcorp Genetics (formerly Invitae), Labcorp
Classification: Pathogenic. Last evaluated: 2023-10-06. Review status: criteria provided, single submitter. Criteria: Invitae Variant Classification Sherloc (09022015). Collection method: clinical testing. Allele origin: germline.
Comment: This sequence change creates a premature translational stop signal (p.Trp2449*) in the VPS13A gene. It is expected to result in an absent or disrupted protein product. Loss-of-function variants in VPS13A are known to be pathogenic (PMID: 12404112, 21598378). This variant is not present in population databases (gnomAD no frequency). This variant has not been reported in the literature in individuals affected with VPS13A-related conditions. For these reasons, this variant has been classified as Pathogenic.

Literature cited by the submitters: PubMed 12404112; PubMed 21598378.